The following is an entry in ClinVar:

ClinVar aggregate classification (germline): Uncertain significance (1 of 4 stars; one submission).

Conditions:
Colobomatous optic disc-macular atrophy-chorioretinopathy syndrome (ODRMD). Also called: OPTIC DISC ANOMALIES WITH RETINAL AND/OR MACULAR DYSTROPHY. Identifiers: Orphanet 435930, MedGen C4225424, MONDO:0008927, OMIM 212550.

gnomAD v4.1: 20 of 1,612,820 alleles (0.0012%); highest among the groups gnomAD compares: Non-Finnish European, 0.0016%; no homozygotes.

Submission:

Victorian Clinical Genetics Services, Murdoch Childrens Research Institute
Classification: Uncertain significance for Colobomatous optic disc-macular atrophy-chorioretinopathy syndrome. Last evaluated: 2023-07-16. Review status: criteria provided, single submitter. Criteria: ACMG Guidelines, 2015. Collection method: clinical testing. Allele origin: germline. Inheritance: Autosomal recessive inheritance. Affected: yes.
Comment: Based on the classification scheme VCGS_Germline_v1.3.4, this variant is classified as VUS-3B. Following criteria are met: 0105 - The mechanism of disease for this gene is not clearly established. (I) 0106 - This gene is associated with autosomal recessive disease. There are also rare reports of heterozygous variants being associated with primary open angle glaucoma, but this dominant association is not yet established (PMID: 29405792). (I) 0200 - Variant is predicted to result in a missense amino acid change from glycine to arginine. (I) 0251 - This variant is heterozygous. (I) 0304 - Variant is present in gnomAD (v2) <0.01 for a recessive condition (3 heterozygotes, 0 homozygotes). Two of these heterozygotes are a different nucleotide change that results in the same amino acid substitution. (SP) 0501 - Missense variant consistently predicted to be damaging by multiple in silico tools or highly conserved with a major amino acid change. (SP) 0600 - Variant is located in the annotated homeodomain (DECIPHER). (I) 0705 - No comparable missense variants have previous evidence for pathogenicity. (I) 0807 - This variant has no previous evidence of pathogenicity. (I) 0905 - No published segregation evidence has been identified for this variant. (I) 1007 - No published functional evidence has been identified for this variant. (I) 1208 - Inheritance information for this variant is not currently available in this individual. (I) Legend: (SP) - Supporting pathogenic, (I) - Information, (SB) - Supporting benign

Literature cited by the submitters: PubMed 29405792.

NM_007374.3(SIX6):c.496G>C (p.Gly166Arg)

Genes: C14orf39 (chromosome 14 open reading frame 39; minus strand), SIX6 (SIX homeobox 6; plus strand). Cytogenetic location: 14q23.1.
Variant type: single nucleotide variant.
Coding change: c.496G>C on transcript NM_007374.3 (MANE Select); coding-DNA position 496, G replaced by C.
Protein change: p.Gly166Arg; replaces glycine 166 with arginine.
Molecular consequence: missense variant.
Genome position (GRCh38, 1-based): chr14:60,509,894, G>C. VCF-style: chr14-60509894-G-C. GRCh37 (hg19) VCF-style: chr14-60976612-G-C.
Other names: short protein forms G166R.
Identifiers: ClinVar variation 3255200 (VCV003255200.1), dbSNP rs779887646.